The following is an entry in ClinVar:

ClinVar aggregate classification (germline): Uncertain significance (1 of 4 stars; one submission).

gnomAD v4.1: 2 of 1,209,046 alleles (0.00017%); highest among the groups gnomAD compares: Non-Finnish European, 0.00022%; no homozygotes.

Submission:

GeneDx
Classification: Uncertain significance. Last evaluated: 2024-05-10. Review status: criteria provided, single submitter. Criteria: GeneDx Variant Classification Process June 2021. Collection method: clinical testing. Allele origin: germline. Affected: yes.
Comment: Not observed at significant frequency in large population cohorts (gnomAD); In silico analysis indicates that this missense variant does not alter protein structure/function; Has not been previously published as pathogenic or benign to our knowledge

NM_001330574.2(ZNF711):c.520C>G (p.Gln174Glu)

Gene: ZNF711 (zinc finger protein 711; plus strand). Cytogenetic location: Xq21.1.
Variant type: single nucleotide variant.
Coding change: c.520C>G on transcript NM_001330574.2 (MANE Select); coding-DNA position 520, C replaced by G.
Protein change: p.Gln174Glu; replaces glutamine 174 with glutamic acid.
Molecular consequence: missense variant.
Genome position (GRCh38, 1-based): chrX:85,255,699, C>G. VCF-style: chrX-85255699-C-G. GRCh37 (hg19) VCF-style: chrX-84510705-C-G.
Other names: c.520C>G, p.Gln174Glu (NM_001375431.1, NM_001375432.1, NM_001375433.1 and 5 more transcripts); short protein forms Q174E.
Identifiers: ClinVar variation 3375719 (VCV003375719.1).